The following is an entry in ClinVar:

ClinVar aggregate classification (germline): Uncertain significance (1 of 4 stars; one submission).

Conditions:
Hereditary nonpolyposis colorectal neoplasms. Identifiers: MedGen C0009405, MeSH D003123.

Allele frequency attached by ClinVar (database versions not stated): gnomAD exomes below 0.00001.

Submission:

Labcorp Genetics (formerly Invitae), Labcorp
Classification: Uncertain significance for Hereditary nonpolyposis colorectal neoplasms. Last evaluated: 2023-05-10. Review status: criteria provided, single submitter. Criteria: Invitae Variant Classification Sherloc (09022015). Collection method: clinical testing. Allele origin: germline.
Comment: This variant occurs in a non-coding region of the MSH6 gene. It does not change the encoded amino acid sequence of the MSH6 protein. This variant is not present in population databases (gnomAD no frequency). In summary, the available evidence is currently insufficient to determine the role of this variant in disease. Therefore, it has been classified as a Variant of Uncertain Significance. Experimental studies and prediction algorithms are not available or were not evaluated, and the functional significance of this variant is currently unknown. ClinVar contains an entry for this variant (Variation ID: 1524919). This variant has not been reported in the literature in individuals affected with MSH6-related conditions.

NM_000179.3(MSH6):c.4067_*27dup (p.Leu1356_Ter1361=)

Gene: MSH6 (mutS homolog 6; plus strand). Cytogenetic location: 2p16.3.
Variant type: Duplication.
Coding change: c.4067_*27dup on transcript NM_000179.3 (MANE Select); coding-DNA position 4067 through 27 bases downstream of the stop codon, 44 bases duplicated.
Protein change: p.Leu1356_Ter1361=.
Molecular consequence: no sequence alteration. On other transcripts: 3 prime UTR variant (5), non-coding transcript variant (5).
Genome position (GRCh38, 1-based): chr2:47,806,844-47,806,887, 44 bases duplicated. GRCh37 (hg19): chr2:48,033,983-48,034,026.
Other names: c.3677_*27dup, p.Leu1226_Ter1231= (NM_001281492.2); c.3161_*27dup, p.Leu1054_Ter1059= (NM_001281493.2, NM_001281494.2, NM_001406811.1 and 6 more transcripts); c.4163_*27dup, p.Leu1388_Ter1393= (NM_001406795.1); c.4067_*27dup, p.Leu1356_Ter1361= (NM_001406796.1, NM_001406809.1); c.3770_*27dup, p.Leu1257_Ter1262= (NM_001406797.1, NM_001406805.1, NM_001406818.1 and 8 more transcripts); c.3893_*27dup, p.Leu1298_Ter1303= (NM_001406798.1); c.3542_*27dup, p.Leu1181_Ter1186= (NM_001406799.1, NM_001406806.1, NM_001406807.1); c.*88_*131dup (NM_001406800.1); and 9 more.
Identifiers: ClinVar variation 1524919 (VCV001524919.6), dbSNP rs2104584852, ClinGen allele CA2573134814.